The following is an entry in ClinVar:

NM_001393769.1(MED12L):c.2873C>T (p.Ser958Phe)

Genes: MED12L (mediator complex subunit 12L; plus strand), P2RY12 (purinergic receptor P2Y12; minus strand). Cytogenetic location: 3q25.1.
Variant type: single nucleotide variant.
Coding change: c.2873C>T on transcript NM_001393769.1 (MANE Select); coding-DNA position 2873, C replaced by T.
Protein change: p.Ser958Phe; replaces serine 958 with phenylalanine.
Molecular consequence: missense variant. On other transcripts: intron variant (1).
Genome position (GRCh38, 1-based): chr3:151,360,521, C>T. VCF-style: chr3-151360521-C-T. GRCh37 (hg19) VCF-style: chr3-151078309-C-T.
Other names: c.2768C>T, p.Ser923Phe (NM_053002.6); c.-179-19761G>A (NM_022788.5); short protein forms S923F, S958F.
Identifiers: ClinVar variation 2295737 (VCV002295737.3), dbSNP rs2473613447, ClinGen allele CA354966230.

ClinVar aggregate classification (germline): Uncertain significance. Review status: criteria provided, multiple submitters, no conflicts (2 of 4 stars). 2 submissions from 2 submitters: Uncertain significance (2). Last evaluated 2024-03-10.

Conditions:
Inborn genetic diseases. Identifiers: MedGen C0950123, MeSH D030342.

Submissions (2):

GeneDx
Classification: Uncertain significance. Last evaluated: 2024-03-10. Review status: criteria provided, single submitter. Criteria: GeneDx Variant Classification Process June 2021. Collection method: clinical testing. Allele origin: germline. Affected: yes.
Comment: Not observed at significant frequency in large population cohorts (gnomAD); In silico analysis supports that this missense variant has a deleterious effect on protein structure/function; Has not been previously published as pathogenic or benign to our knowledge

Ambry Genetics
Classification: Uncertain significance for Inborn genetic diseases. Last evaluated: 2022-06-17. Review status: criteria provided, single submitter. Criteria: Ambry Variant Classification Scheme 2023. Collection method: clinical testing. Allele origin: germline.